The following is an entry in ClinVar:

NM_006846.4(SPINK5):c.1389A>G (p.Gly463=)

Gene: SPINK5 (serine peptidase inhibitor Kazal type 5; plus strand). Cytogenetic location: 5q32.
Variant type: single nucleotide variant.
Coding change: c.1389A>G on transcript NM_006846.4 (MANE Select); coding-DNA position 1389, A replaced by G.
Protein change: p.Gly463=; no amino-acid change (glycine 463 retained).
Molecular consequence: synonymous variant.
Genome position (GRCh38, 1-based): chr5:148,101,867, A>G. VCF-style: chr5-148101867-A-G. GRCh37 (hg19) VCF-style: chr5-147481430-A-G.
Other names: p.Gly463=; c.1389A>G, p.Gly463= (NM_001127698.2, NM_001127699.2).
Identifiers: ClinVar variation 260046 (VCV000260046.28), dbSNP rs6896303, ClinGen allele CA3495580.

ClinVar aggregate classification (germline): Benign/Likely benign. Review status: criteria provided, multiple submitters, no conflicts (2 of 4 stars). 10 submissions from 10 submitters: Benign (9); Likely benign (1). Last evaluated 2026-02-04.

Conditions:
Netherton syndrome (NETH). Also called: NETHERTON DISEASE; ERYTHRODERMA, ICHTHYOSIFORM, WITH HYPOTRICHOSIS AND HYPER-IgE; COMEL-NETHERTON SYNDROME. Identifiers: Orphanet 634, MedGen C5574950, MONDO:0009735, OMIM 256500.
Ichthyosis linearis circumflexa. Identifiers: MedGen C0265962, MONDO:0043106, HP:0025810.

Allele frequency attached by ClinVar (database versions not stated): ESP Exome Variant Server 0.43062; 1000 Genomes Project 30x 0.43067; 1000 Genomes Project 0.43291; gnomAD 0.44173 and 0.44648; TOPMed 0.44531; ExAC 0.50757; gnomAD exomes 0.51565 and 0.52069.
gnomAD v4.1: 820,639 of 1,613,204 alleles (51%); highest among the groups gnomAD compares: Admixed American, 66%; 213,636 homozygotes.

Submissions (10):

Labcorp Genetics (formerly Invitae), Labcorp
Classification: Benign for Ichthyosis linearis circumflexa. Last evaluated: 2026-02-04. Review status: criteria provided, single submitter. Criteria: Invitae Variant Classification Sherloc (09022015). Collection method: clinical testing. Allele origin: germline.

Women's Health and Genetics/Laboratory Corporation of America, LabCorp
Classification: Benign. Last evaluated: 2026-01-08. Review status: criteria provided, single submitter. Criteria: LabCorp Variant Classification Summary - May 2015. Collection method: clinical testing. Allele origin: germline.

Blueprint Genetics
Classification: Likely benign. Last evaluated: 2024-11-26. Review status: criteria provided, single submitter. Criteria: ACMG Guidelines, 2015. Collection method: clinical testing. Allele origin: germline.

Unidad de Genómica Garrahan, Hospital de Pediatría Garrahan
Classification: Benign. Last evaluated: 2024-01-24. Review status: criteria provided, single submitter. Criteria: ACMG Guidelines, 2015. Collection method: clinical testing. Allele origin: germline. Affected: no. Observed: 78 variant alleles.
Comment: This variant is classified as Benign based on local population frequency. This variant was detected in 89% of patients studied by a panel of primary immunodeficiencies. Number of patients: 78. Only high quality variants are reported.

Genome-Nilou Lab
Classification: Benign for Netherton syndrome. Last evaluated: 2021-07-15. Review status: criteria provided, single submitter. Criteria: ACMG Guidelines, 2015. Collection method: clinical testing. Allele origin: germline. Affected: no.

Mayo Clinic Laboratories, Mayo Clinic
Classification: Benign. Last evaluated: 2018-07-03. Review status: criteria provided, single submitter. Criteria: ACMG Guidelines, 2015. Collection method: clinical testing. Allele origin: germline. Observed: 98 variant alleles.

Illumina Laboratory Services, Illumina
Classification: Benign for Netherton syndrome. Last evaluated: 2018-01-12. Review status: criteria provided, single submitter. Criteria: ICSL Variant Classification Criteria 13 December 2019. Collection method: clinical testing. Allele origin: germline.
Comment: This variant was observed in the ICSL laboratory as part of a predisposition screen in an ostensibly healthy population. It had not been previously curated by ICSL or reported in the Human Gene Mutation Database (HGMD: prior to June 1st, 2018), and was therefore a candidate for classification through an automated scoring system. Utilizing variant allele frequency, disease prevalence and penetrance estimates, and inheritance mode, an automated score was calculated to assess if this variant is too frequent to cause the disease. Based on the score and internal cut-off values, a variant classified as benign is not then subjected to further curation. The score for this variant resulted in a classification of benign for this disease.

Laboratory for Molecular Medicine, Mass General Brigham Personalized Medicine
Classification: Benign. Last evaluated: 2016-03-28. Review status: criteria provided, single submitter. Criteria: LMM Criteria. Collection method: clinical testing. Allele origin: germline.
Comment: Variant identified in a genome or exome case(s) and assessed due to predicted null impact of the variant or pathogenic assertions in the literature or databases. Disclaimer: This variant has not undergone full assessment. The following are preliminary notes: Frequency

GeneDx
Classification: Benign. Last evaluated: 2015-03-03. Review status: criteria provided, single submitter. Criteria: GeneDx Variant Classification Process June 2021. Collection method: clinical testing. Allele origin: germline. Affected: yes.

PreventionGenetics, part of Exact Sciences
Classification: Benign. Review status: criteria provided, single submitter. Criteria: ACMG Guidelines, 2015. Collection method: clinical testing. Allele origin: germline.